The following is an entry in ClinVar:

NM_031885.5(BBS2):c.1852T>G (p.Ser618Ala)

Gene: BBS2 (Bardet-Biedl syndrome 2; minus strand). Cytogenetic location: 16q13.
Variant type: single nucleotide variant.
Coding change: c.1852T>G on transcript NM_031885.5 (MANE Select); coding-DNA position 1852, T replaced by G.
Protein change: p.Ser618Ala; replaces serine 618 with alanine.
Molecular consequence: missense variant. On other transcripts: non-coding transcript variant (5).
Genome position (GRCh38, 1-based): chr16:56,497,025, A>C on the plus strand (T>G on the coding strand, the complement: BBS2 is on the minus strand). VCF-style: chr16-56497025-A-C. GRCh37 (hg19) VCF-style: chr16-56530937-A-C.
Other names: c.1852T>G, p.Ser618Ala (NM_001377456.1); short protein forms S618A.
Identifiers: ClinVar variation 938378 (VCV000938378.9), dbSNP rs1964133123, ClinGen allele CA395975564.

ClinVar aggregate classification (germline): Uncertain significance. Review status: criteria provided, multiple submitters, no conflicts (2 of 4 stars). 3 submissions from 3 submitters: Uncertain significance (2). 1 of the submissions does not count toward it. Last evaluated 2022-11-01.

Conditions:
BBS2-related disorder. Also called: BBS2-related disorders; BBS2-related condition. Identifiers: MedGen CN239228.
Bardet-Biedl syndrome (BBS). Identifiers: Orphanet 110, MedGen C0752166, MONDO:0015229.

Allele frequency attached by ClinVar (database versions not stated): gnomAD 0.00001.
gnomAD v4.1: 1 of 1,613,996 alleles (0.000062%); highest among the groups gnomAD compares: Admixed American, 0.0017%; no homozygotes.

Submissions (3):

Blueprint Genetics
Classification: Uncertain significance. Last evaluated: 2022-11-01. Review status: criteria provided, single submitter. Criteria: ACMG Guidelines, 2015. Collection method: clinical testing. Allele origin: germline.

Labcorp Genetics (formerly Invitae), Labcorp
Classification: Uncertain significance for Bardet-Biedl syndrome. Last evaluated: 2022-07-05. Review status: criteria provided, single submitter. Criteria: Invitae Variant Classification Sherloc (09022015). Collection method: clinical testing. Allele origin: germline.
Comment: This sequence change replaces serine, which is neutral and polar, with alanine, which is neutral and non-polar, at codon 618 of the BBS2 protein (p.Ser618Ala). This variant is not present in population databases (gnomAD no frequency). This variant has not been reported in the literature in individuals affected with BBS2-related conditions. ClinVar contains an entry for this variant (Variation ID: 938378). Algorithms developed to predict the effect of missense changes on protein structure and function are either unavailable or do not agree on the potential impact of this missense change (SIFT: "Tolerated"; PolyPhen-2: "Possibly Damaging"; Align-GVGD: "Class C15"). In summary, the available evidence is currently insufficient to determine the role of this variant in disease. Therefore, it has been classified as a Variant of Uncertain Significance.

PreventionGenetics, part of Exact Sciences
Classification: Uncertain significance for BBS2-related condition. Last evaluated: 2024-02-09. Review status: no assertion criteria provided. Collection method: clinical testing. Allele origin: germline. Not counted in ClinVar's aggregate classification.
Comment: The BBS2 c.1852T>G variant is predicted to result in the amino acid substitution p.Ser618Ala. To our knowledge, this variant has not been reported in the literature or in a large population database, indicating this variant is rare. At this time, the clinical significance of this variant is uncertain due to the absence of conclusive functional and genetic evidence.